The following is an entry in ClinVar:

ClinVar aggregate classification (germline): Pathogenic (1 of 4 stars; one submission).

Allele frequency attached by ClinVar (database versions not stated): TOPMed 0.00001; ExAC 0.00004; gnomAD 0.00001; ESP Exome Variant Server 0.00017.
gnomAD v4.1: 9 of 1,597,730 alleles (0.00056%); highest among the groups gnomAD compares: Non-Finnish European, 0.00042%; no homozygotes.

Submission:

Labcorp Genetics (formerly Invitae), Labcorp
Classification: Pathogenic. Last evaluated: 2025-05-07. Review status: criteria provided, single submitter. Criteria: Invitae Variant Classification Sherloc (09022015). Collection method: clinical testing. Allele origin: germline.
Comment: This sequence change creates a premature translational stop signal (p.Arg408*) in the SZT2 gene. It is expected to result in an absent or disrupted protein product. Loss-of-function variants in SZT2 are known to be pathogenic (PMID: 23932106, 27248490, 28556953). This variant is present in population databases (rs368908778, gnomAD 0.004%). This variant has not been reported in the literature in individuals affected with SZT2-related conditions. ClinVar contains an entry for this variant (Variation ID: 2882642). For these reasons, this variant has been classified as Pathogenic.

Literature cited by the submitters: PubMed 23932106; PubMed 27248490; PubMed 28556953.

NM_001365999.1(SZT2):c.1222C>T (p.Arg408Ter)

Gene: SZT2 (SZT2 subunit of KICSTOR complex; plus strand). Cytogenetic location: 1p34.2.
Variant type: single nucleotide variant.
Coding change: c.1222C>T on transcript NM_001365999.1 (MANE Select); coding-DNA position 1222, C replaced by T.
Protein change: p.Arg408Ter; replaces arginine 408 with a stop codon.
Molecular consequence: nonsense.
Genome position (GRCh38, 1-based): chr1:43,420,284, C>T. VCF-style: chr1-43420284-C-T. GRCh37 (hg19) VCF-style: chr1-43885955-C-T.
Other names: c.1222C>T, p.Arg408Ter (NM_015284.4); short protein forms R408*.
Identifiers: ClinVar variation 2882642 (VCV002882642.3), dbSNP rs368908778, ClinGen allele CA808355.